The following is an entry in ClinVar:

NM_032564.5(DGAT2):c.1117C>A (p.His373Asn)

Gene: DGAT2 (diacylglycerol O-acyltransferase 2; plus strand). Cytogenetic location: 11q13.5.
Variant type: single nucleotide variant.
Coding change: c.1117C>A on transcript NM_032564.5 (MANE Select); coding-DNA position 1117, C replaced by A.
Protein change: p.His373Asn; replaces histidine 373 with asparagine.
Molecular consequence: missense variant.
Genome position (GRCh38, 1-based): chr11:75,800,458, C>A. VCF-style: chr11-75800458-C-A. GRCh37 (hg19) VCF-style: chr11-75511503-C-A.
Other names: p.His373Asn; c.988C>A, p.His330Asn (NM_001253891.2); short protein forms H330N, H373N.
Identifiers: ClinVar variation 4683659 (VCV004683659.1).
Genomic context (GRCh38, chr11:75,800,458, plus strand): 5'-CAAGACATCGACCTGTACCACACCATGTACATGGAGGCCCTGGTGAAGCTCTTCGACAAG[C>A]ACAAGACCAAGTTCGGCCTCCCGGAGACTGAGGTCCTGGAGGTGAACTGAGCCAGCCTTC-3'
Protein context (NP_115953.2, residues 363-383): MEALVKLFDK[His373Asn]KTKFGLPETE

ClinVar aggregate classification (germline): Likely benign (1 of 4 stars; one submission).

gnomAD v4.1: 60 of 1,614,088 alleles (0.0037%); highest among the groups gnomAD compares: Non-Finnish European, 0.0048%; no homozygotes.

Submission:

Mayo Clinic Laboratories, Mayo Clinic
Classification: Likely benign. Last evaluated: 2025-09-24. Review status: criteria provided, single submitter. Criteria: ACMG Guidelines, 2015. Collection method: clinical testing. Allele origin: germline. Observed: 1 variant allele.
Comment: BS2, BP4_moderate